The following is an entry in ClinVar:

NM_014000.3(VCL):c.2182G>A (p.Glu728Lys)

Gene: VCL (vinculin; plus strand). Cytogenetic location: 10q22.2.
Variant type: single nucleotide variant.
Coding change: c.2182G>A on transcript NM_014000.3 (MANE Select); coding-DNA position 2182, G replaced by A.
Protein change: p.Glu728Lys; replaces glutamic acid 728 with lysine.
Molecular consequence: missense variant.
Genome position (GRCh38, 1-based): chr10:74,105,101, G>A. VCF-style: chr10-74105101-G-A. GRCh37 (hg19) VCF-style: chr10-75864859-G-A.
Other names: c.2182G>A, p.Glu728Lys (NM_003373.4); short protein forms E728K.
Identifiers: ClinVar variation 659492 (VCV000659492.12), dbSNP rs144717954, ClinGen allele CA5563177.

ClinVar aggregate classification (germline): Uncertain significance. Review status: criteria provided, multiple submitters, no conflicts (2 of 4 stars). 2 submissions from 2 submitters: Uncertain significance (2). Last evaluated 2024-08-22.

Conditions:
Cardiovascular phenotype. Identifiers: MedGen CN230736.
Dilated cardiomyopathy 1W (CMD1W). Identifiers: Orphanet 154, MedGen C1969639, MONDO:0012667, OMIM 611407.

Allele frequency attached by ClinVar (database versions not stated): gnomAD exomes below 0.00001; gnomAD 0.00001; ExAC 0.00002; TOPMed 0.00002; ESP Exome Variant Server 0.00015.
gnomAD v4.1: 1 of 1,614,090 alleles (0.000062%); highest among the groups gnomAD compares: African/African-American, 0.0013%; no homozygotes.

Submissions (2):

Labcorp Genetics (formerly Invitae), Labcorp
Classification: Uncertain significance for Dilated cardiomyopathy 1W. Last evaluated: 2024-08-22. Review status: criteria provided, single submitter. Criteria: Invitae Variant Classification Sherloc (09022015). Collection method: clinical testing. Allele origin: germline.
Comment: This sequence change replaces glutamic acid, which is acidic and polar, with lysine, which is basic and polar, at codon 728 of the VCL protein (p.Glu728Lys). This variant is present in population databases (rs144717954, gnomAD 0.007%). This variant has not been reported in the literature in individuals affected with VCL-related conditions. ClinVar contains an entry for this variant (Variation ID: 659492). An algorithm developed to predict the effect of missense changes on protein structure and function (PolyPhen-2) suggests that this variant is likely to be tolerated. In summary, the available evidence is currently insufficient to determine the role of this variant in disease. Therefore, it has been classified as a Variant of Uncertain Significance.

Ambry Genetics
Classification: Uncertain significance for Cardiovascular phenotype. Last evaluated: 2021-02-23. Review status: criteria provided, single submitter. Criteria: Ambry Variant Classification Scheme 2023. Collection method: clinical testing. Allele origin: germline.
Comment: The p.E728K variant (also known as c.2182G>A), located in coding exon 16 of the VCL gene, results from a G to A substitution at nucleotide position 2182. The glutamic acid at codon 728 is replaced by lysine, an amino acid with similar properties. This amino acid position is well conserved in available vertebrate species. In addition, the in silico prediction for this alteration is inconclusive. Since supporting evidence is limited at this time, the clinical significance of this alteration remains unclear.